The following is an entry in ClinVar:

NM_152564.5(VPS13B):c.4757A>G (p.Asn1586Ser)

Gene: VPS13B (vacuolar protein sorting 13 homolog B; plus strand). Cytogenetic location: 8q22.2.
Variant type: single nucleotide variant.
Coding change: c.4757A>G on transcript NM_152564.5 (MANE Select); coding-DNA position 4757, A replaced by G.
Protein change: p.Asn1586Ser; replaces asparagine 1586 with serine.
Molecular consequence: missense variant.
Genome position (GRCh38, 1-based): chr8:99,556,461, A>G. VCF-style: chr8-99556461-A-G. GRCh37 (hg19) VCF-style: chr8-100568689-A-G.
Other names: c.4832A>G (NM_017890.3); c.4832A>G, p.Asn1611Ser (NM_017890.5); c.4757A>G (NM_152564.4); short protein forms N1586S.
Identifiers: ClinVar variation 167830 (VCV000167830.19), dbSNP rs147342579, ClinGen allele CA235219.

ClinVar aggregate classification (germline): Conflicting classifications of pathogenicity. Review status: criteria provided, conflicting classifications (1 of 4 stars). 7 submissions from 7 submitters: Uncertain significance (5); Likely benign (1). 1 of the submissions does not count toward it. Last evaluated 2026-08-01.

Conditions:
VPS13B-related disorder. Also called: VPS13B-related condition.
Cohen syndrome (COH1). Also called: Cutis verticis gyrata, retinitis pigmentosa, and sensorineural deafness; PEPPER SYNDROME. Identifiers: Orphanet 193, MedGen C0265223, MONDO:0008999, OMIM 216550.

Allele frequency attached by ClinVar (database versions not stated): gnomAD 0.00033 and 0.00036; TOPMed 0.00034; gnomAD exomes 0.00008 and 0.00003; ExAC 0.00014; ESP Exome Variant Server 0.00062.
gnomAD v4.1: 86 of 1,612,618 alleles (0.0053%); highest among the groups gnomAD compares: African/African-American, 0.11%; no homozygotes.

Submissions (7):

PreventionGenetics, part of Exact Sciences
Classification: Uncertain significance for VPS13B-related condition. Last evaluated: 2026-08-01. Review status: criteria provided, single submitter. Criteria: ACMG Guidelines, 2015. Collection method: clinical testing. Allele origin: germline.
Comment: The VPS13B c.4757A>G variant is predicted to result in the amino acid substitution p.Asn1586Ser. To our knowledge, this variant has not been reported in the literature. This variant is reported in 0.12% of alleles in individuals of African descent in gnomAD, which is likely too common to be a primary cause of disease. This variant has conflicting classifications in ClinVar ranging from likely benign to uncertain (ClinVar ID: 167830). Although we suspect that this variant may be benign, at this time, the clinical significance of this variant is uncertain due to the absence of conclusive functional and genetic evidence.

Labcorp Genetics (formerly Invitae), Labcorp
Classification: Likely benign for Cohen syndrome. Last evaluated: 2026-02-02. Review status: criteria provided, single submitter. Criteria: Invitae Variant Classification Sherloc (09022015). Collection method: clinical testing. Allele origin: germline.

GeneDx
Classification: Uncertain significance. Last evaluated: 2025-02-10. Review status: criteria provided, single submitter. Criteria: GeneDx Variant Classification Process June 2021. Collection method: clinical testing. Allele origin: germline. Affected: yes.
Comment: In silico analysis supports that this missense variant does not alter protein structure/function; Has not been previously published as pathogenic or benign to our knowledge

Mayo Clinic Laboratories, Mayo Clinic
Classification: Uncertain significance. Last evaluated: 2019-09-16. Review status: criteria provided, single submitter. Criteria: ACMG Guidelines, 2015. Collection method: clinical testing. Allele origin: germline. Observed: 1 variant allele.

Athena Diagnostics
Classification: Uncertain significance. Last evaluated: 2017-10-05. Review status: criteria provided, single submitter. Criteria: Athena Diagnostics Criteria. Collection method: clinical testing. Allele origin: germline.

Eurofins Ntd Llc (ga)
Classification: Uncertain significance. Last evaluated: 2015-03-03. Review status: criteria provided, single submitter. Criteria: EGL Classification Definitions 2015. Collection method: clinical testing. Allele origin: germline. Observed: 3 variant alleles, 3 heterozygotes.

Natera, Inc.
Classification: Uncertain significance for Cohen syndrome. Last evaluated: 2019-10-29. Review status: no assertion criteria provided. Collection method: clinical testing. Allele origin: germline. Not counted in ClinVar's aggregate classification.